The following is an entry in ClinVar:

ClinVar aggregate classification (germline): Uncertain significance. Review status: criteria provided, multiple submitters, no conflicts (2 of 4 stars). 4 submissions from 4 submitters: Uncertain significance (4). Last evaluated 2023-09-26.

Conditions:
Developmental and epileptic encephalopathy, 18 (DEE18). Also called: Early infantile epileptic encephalopathy 18. Identifiers: Orphanet 369894, MedGen C3809624, MONDO:0014201, OMIM 615476.
Inborn genetic diseases. Identifiers: MedGen C0950123, MeSH D030342.

Allele frequency attached by ClinVar (database versions not stated): TOPMed 0.00002.
gnomAD v4.1: 38 of 1,614,094 alleles (0.0024%); highest among the groups gnomAD compares: South Asian, 0.0077%; no homozygotes.

Submissions (4):

Ambry Genetics
Classification: Uncertain significance for Inborn genetic diseases. Last evaluated: 2023-09-26. Review status: criteria provided, single submitter. Criteria: Ambry Variant Classification Scheme 2023. Collection method: clinical testing. Allele origin: germline.

Genome-Nilou Lab
Classification: Uncertain significance for Developmental and epileptic encephalopathy, 18. Last evaluated: 2023-04-11. Review status: criteria provided, single submitter. Criteria: ACMG Guidelines, 2015. Collection method: clinical testing. Allele origin: germline. Affected: no.

Labcorp Genetics (formerly Invitae), Labcorp
Classification: Uncertain significance. Last evaluated: 2021-08-24. Review status: criteria provided, single submitter. Criteria: Invitae Variant Classification Sherloc (09022015). Collection method: clinical testing. Allele origin: germline.
Comment: This sequence change replaces alanine with valine at codon 1173 of the SZT2 protein (p.Ala1173Val). The alanine residue is highly conserved and there is a small physicochemical difference between alanine and valine. This variant is present in population databases (rs553638915, ExAC 0.006%). This variant has not been reported in the literature in individuals affected with SZT2-related conditions. ClinVar contains an entry for this variant (Variation ID: 642409). Algorithms developed to predict the effect of missense changes on protein structure and function (SIFT, PolyPhen-2, Align-GVGD) all suggest that this variant is likely to be tolerated. In summary, the available evidence is currently insufficient to determine the role of this variant in disease. Therefore, it has been classified as a Variant of Uncertain Significance.

Neuberg Centre For Genomic Medicine, NCGM
Classification: Uncertain significance for Developmental and epileptic encephalopathy, 18. Review status: criteria provided, single submitter. Criteria: ACMG Guidelines, 2015. Collection method: clinical testing. Allele origin: germline. Inheritance: Autosomal recessive inheritance. Affected: yes.
Comment: The missense variant c.3689C>T (p.Ala1230Val) in SZT2 gene has not been reported previously as a pathogenic variant nor as a benign variant, to our knowledge. The p.Ala1230Val variant has allele frequency 0.0028% in gnomAD Exomes and 1000 Genomes. It has been submitted to ClinVar as Uncertain Significance. The amino acid Ala at position 1230 is changed to a Val changing protein sequence and it might alter its composition and physico-chemical properties. The amino acid change p.Ala1230Val in SZT2 is predicted as conserved by GERP++ and PhyloP across 100 vertebrates. For these reasons, this variant has been classified as Uncertain Significance (VUS).

NM_001365999.1(SZT2):c.3689C>T (p.Ala1230Val)

Gene: SZT2 (SZT2 subunit of KICSTOR complex; plus strand). Cytogenetic location: 1p34.2.
Variant type: single nucleotide variant.
Coding change: c.3689C>T on transcript NM_001365999.1 (MANE Select); coding-DNA position 3689, C replaced by T.
Protein change: p.Ala1230Val; replaces alanine 1230 with valine.
Molecular consequence: missense variant.
Genome position (GRCh38, 1-based): chr1:43,427,620, C>T. VCF-style: chr1-43427620-C-T. GRCh37 (hg19) VCF-style: chr1-43893291-C-T.
Other names: c.3518C>T, p.Ala1173Val (NM_015284.4); short protein forms A1173V, A1230V.
Identifiers: ClinVar variation 642409 (VCV000642409.7), dbSNP rs553638915, ClinGen allele CA809062.